The following is an entry in ClinVar:

NM_016169.4(SUFU):c.1069C>T (p.Pro357Ser)

Gene: SUFU (SUFU negative regulator of hedgehog signaling; plus strand). Cytogenetic location: 10q24.32.
Variant type: single nucleotide variant.
Coding change: c.1069C>T on transcript NM_016169.4 (MANE Select); coding-DNA position 1069, C replaced by T.
Protein change: p.Pro357Ser; replaces proline 357 with serine.
Molecular consequence: missense variant.
Genome position (GRCh38, 1-based): chr10:102,615,314, C>T. VCF-style: chr10-102615314-C-T. GRCh37 (hg19) VCF-style: chr10-104375071-C-T.
Other names: c.1069C>T, p.Pro357Ser (NM_001178133.2); short protein forms P357S.
Identifiers: ClinVar variation 1714246 (VCV001714246.7), dbSNP rs2135930032, ClinGen allele CA377913948.

ClinVar aggregate classification (germline): Uncertain significance. Review status: criteria provided, multiple submitters, no conflicts (2 of 4 stars). 2 submissions from 2 submitters: Uncertain significance (2). Last evaluated 2024-07-15.

Conditions:
Gorlin syndrome. Also called: Nevoid Basal Cell Carcinoma Syndrome; Basal cell nevus syndrome. Identifiers: Orphanet 377, MedGen C0004779, MONDO:0007187.
Medulloblastoma (MDB). Also called: MEDULLOBLASTOMA PREDISPOSITION SYNDROME; Medulloblastoma, somatic. Identifiers: Orphanet 616, MedGen C0025149, MeSH D008527, MONDO:0007959, OMIM 155255, HP:0002885.
Hereditary cancer-predisposing syndrome. Also called: Hereditary neoplastic syndrome; Tumor predisposition; Neoplastic Syndromes, Hereditary; Hereditary Cancer Syndrome. Identifiers: Orphanet 140162, MedGen C0027672, MeSH D009386, MONDO:0015356.

Allele frequency attached by ClinVar (database versions not stated): gnomAD exomes below 0.00001.
gnomAD v4.1: 2 of 1,614,184 alleles (0.00012%); highest among the groups gnomAD compares: Non-Finnish European, 0.00017%; no homozygotes.

Submissions (2):

Ambry Genetics
Classification: Uncertain significance for Hereditary cancer-predisposing syndrome. Last evaluated: 2024-07-15. Review status: criteria provided, single submitter. Criteria: Ambry Variant Classification Scheme 2023. Collection method: clinical testing. Allele origin: germline.
Comment: The p.P357S variant (also known as c.1069C>T), located in coding exon 9 of the SUFU gene, results from a C to T substitution at nucleotide position 1069. The proline at codon 357 is replaced by serine, an amino acid with similar properties. This amino acid position is conserved. In addition, the in silico prediction for this alteration is inconclusive. Based on the available evidence, the clinical significance of this variant remains unclear.

Labcorp Genetics (formerly Invitae), Labcorp
Classification: Uncertain significance for Gorlin syndrome; Medulloblastoma. Last evaluated: 2022-08-03. Review status: criteria provided, single submitter. Criteria: Invitae Variant Classification Sherloc (09022015). Collection method: clinical testing. Allele origin: germline.
Comment: Algorithms developed to predict the effect of missense changes on protein structure and function are either unavailable or do not agree on the potential impact of this missense change (SIFT: "Deleterious"; PolyPhen-2: "Benign"; Align-GVGD: "Class C0"). In summary, the available evidence is currently insufficient to determine the role of this variant in disease. Therefore, it has been classified as a Variant of Uncertain Significance. This variant has not been reported in the literature in individuals affected with SUFU-related conditions. This sequence change replaces proline, which is neutral and non-polar, with serine, which is neutral and polar, at codon 357 of the SUFU protein (p.Pro357Ser). This variant is not present in population databases (gnomAD no frequency).